The following is an entry in ClinVar:

ClinVar aggregate classification (germline): Uncertain significance (1 of 4 stars; one submission).

gnomAD v4.1: 1 of 1,613,804 alleles (0.000062%); highest among the groups gnomAD compares: African/African-American, 0.0013%; no homozygotes.

Submission:

GeneDx
Classification: Uncertain significance. Last evaluated: 2026-02-13. Review status: criteria provided, single submitter. Criteria: GeneDx Variant Classification Process June 2021. Collection method: clinical testing. Allele origin: germline.
Comment: Not observed at significant frequency in large population cohorts (gnomAD); In silico analysis suggests that this missense variant does not alter protein structure/function; Has not been previously published as pathogenic or benign to our knowledge

NM_138792.4(LEO1):c.1646G>A (p.Arg549Lys)

Gene: LEO1 (LEO1 component of Paf1/RNA polymerase II complex; minus strand). Cytogenetic location: 15q21.2.
Variant type: single nucleotide variant.
Coding change: c.1646G>A on transcript NM_138792.4 (MANE Select); coding-DNA position 1646, G replaced by A.
Protein change: p.Arg549Lys; replaces arginine 549 with lysine.
Molecular consequence: missense variant.
Genome position (GRCh38, 1-based): chr15:51,949,960, C>T on the plus strand (G>A on the coding strand, the complement: LEO1 is on the minus strand). VCF-style: chr15-51949960-C-T. GRCh37 (hg19) VCF-style: chr15-52242157-C-T.
Other names: c.1466G>A, p.Arg489Lys (NM_001286430.2); c.1646G>A, p.Arg549Lys (NM_001323903.2, NM_001323904.2, NM_001426597.1 and 1 more transcripts); short protein forms R549K, R489K.
Identifiers: ClinVar variation 5008631 (VCV005008631.1).
Genomic context (GRCh38, chr15:51,949,960, plus strand): 5'-TAACTGGCGCTCAGCCCCCGCTGGTGCTGTTTCTCTCTCATTCGGCGCTGCTGAGATTCC[C>T]TACGTATGGAAGCCCTCAAACGTTCTTCTTCTTTCTGTAAAGAAGCAAATAACCTCTTTA-3'
Protein context (NP_620147.1, residues 539-559): EEERLRASIR[Arg549Lys]ESQQRRMREK